The following is an entry in ClinVar:

NM_001035.3(RYR2):c.9246C>A (p.His3082Gln)

Gene: RYR2 (ryanodine receptor 2; plus strand). Cytogenetic location: 1q43.
Variant type: single nucleotide variant.
Coding change: c.9246C>A on transcript NM_001035.3 (MANE Select); coding-DNA position 9246, C replaced by A.
Protein change: p.His3082Gln; replaces histidine 3082 with glutamine.
Molecular consequence: missense variant.
Genome position (GRCh38, 1-based): chr1:237,700,346, C>A. VCF-style: chr1-237700346-C-A. GRCh37 (hg19) VCF-style: chr1-237863646-C-A.
Other names: c.9246C>A (NM_001035.2); short protein forms H3082Q.
Identifiers: ClinVar variation 1171635 (VCV001171635.5), dbSNP rs1409285303, ClinGen allele CA345405888.

ClinVar aggregate classification (germline): Uncertain significance. Review status: criteria provided, multiple submitters, no conflicts (2 of 4 stars). 3 submissions from 3 submitters: Uncertain significance (3). Last evaluated 2024-12-26.

Conditions:
Catecholaminergic polymorphic ventricular tachycardia (CVPT). Also called: Catecholamine-induced polymorphic ventricular tachycardia. Identifiers: Orphanet 3286, MedGen C5574922, MONDO:0017990.
Cardiomyopathy (CMYO). Also called: Cardiomyopathies. Identifiers: Orphanet 167848, MedGen C0878544, MONDO:0004994, HP:0001638. Inheritance: Various modes of inheritance.

Allele frequency attached by ClinVar (database versions not stated): gnomAD exomes below 0.00001.
gnomAD v4.1: 2 of 1,602,370 alleles (0.00012%); highest among the groups gnomAD compares: Admixed American, 0.0034%; no homozygotes.

Submissions (3):

GeneDx
Classification: Uncertain significance. Last evaluated: 2024-12-26. Review status: criteria provided, single submitter. Criteria: GeneDx Variant Classification Process June 2021. Collection method: clinical testing. Allele origin: germline. Affected: yes.
Comment: Not observed at significant frequency in large population cohorts (gnomAD); In silico analysis supports that this missense variant has a deleterious effect on protein structure/function; Has not been previously published as pathogenic or benign to our knowledge; Not located in one of the three hot-spot regions of the RYR2 gene, where the majority of pathogenic missense variants occur (PMID: 19926015); This variant is associated with the following publications: (PMID: 19926015)

All of Us Research Program, National Institutes of Health
Classification: Uncertain significance for Catecholaminergic polymorphic ventricular tachycardia. Last evaluated: 2024-07-29. Review status: criteria provided, single submitter. Criteria: ACMG Guidelines, 2015. Collection method: clinical testing. Allele origin: germline. Inheritance: Autosomal dominant inheritance. Observed: 1 variant allele, 1 heterozygote.
Comment: This missense variant replaces histidine with glutamine at codon 3082 of the RYR2 protein. Computational prediction suggests that this variant may not impact protein structure and function (internally defined REVEL score threshold <= 0.5, PMID: 27666373). To our knowledge, functional studies have not been reported for this variant. This variant has not been reported in individuals affected with cardiovascular disorders in the literature. This variant has been identified in 1/230576 chromosomes in the general population by the Genome Aggregation Database (gnomAD). The available evidence is insufficient to determine the role of this variant in disease conclusively. Therefore, this variant is classified as a Variant of Uncertain Significance.

This study involves interpretation of variants in research participants for the purpose of population health screening. Participant phenotype was not available at the time of variant classification. Additional details can be found in publication PMID: 35346344, PMCID: PMC8962531

Color Diagnostics, LLC DBA Color Health
Classification: Uncertain significance for Cardiomyopathy. Last evaluated: 2024-03-06. Review status: criteria provided, single submitter. Criteria: ACMG Guidelines, 2015. Collection method: clinical testing. Allele origin: germline.
Comment: This missense variant replaces histidine with glutamine at codon 3082 of the RYR2 protein. Computational prediction suggests that this variant may not impact protein structure and function (internally defined REVEL score threshold <= 0.5, PMID: 27666373). To our knowledge, functional studies have not been reported for this variant. This variant has not been reported in individuals affected with cardiovascular disorders in the literature. This variant has been identified in 1/230576 chromosomes in the general population by the Genome Aggregation Database (gnomAD). The available evidence is insufficient to determine the role of this variant in disease conclusively. Therefore, this variant is classified as a Variant of Uncertain Significance.